The following is an entry in ClinVar:

ClinVar aggregate classification (germline): Conflicting classifications of pathogenicity. Review status: criteria provided, conflicting classifications (1 of 4 stars). 3 submissions from 3 submitters: Pathogenic (1); Uncertain significance (1). 1 of the submissions does not count toward it. Last evaluated 2023-11-02.

Conditions:
FG syndrome 1 (OKS). Also called: OPITZ-KAVEGGIA SYNDROME; KELLER SYNDROME; MENTAL RETARDATION, LARGE HEAD, IMPERFORATE ANUS, CONGENITAL HYPOTONIA, AND PARTIAL AGENESIS OF CORPUS CALLOSUM; FG Syndrome Type 1 (FGS1). Identifiers: Orphanet 93932, MedGen C5399762, MONDO:0010590, OMIM 305450.

Submissions (3):

Revvity Omics, Revvity
Classification: Uncertain significance. Last evaluated: 2023-11-02. Review status: criteria provided, single submitter. Criteria: ACMG Guidelines, 2015. Collection method: clinical testing. Allele origin: germline.

GeneDx
Classification: Pathogenic. Last evaluated: 2023-10-31. Review status: criteria provided, single submitter. Criteria: GeneDx Variant Classification Process June 2021. Collection method: clinical testing. Allele origin: germline. Affected: yes.
Comment: Not observed at significant frequency in large population cohorts (gnomAD); In silico analysis supports that this missense variant has a deleterious effect on protein structure/function; This variant is associated with the following publications: (PMID: 33244165)

GeneReviews
No classification provided. Condition: FG syndrome. Review status: no classification provided. Collection method: literature only. Allele origin: germline. Not counted in ClinVar's aggregate classification.

Literature cited by the submitters: PubMed 33244165 (cited by GeneReviews); PubMed 20301719 (cited by GeneReviews).

NM_005120.3(MED12):c.2735C>T (p.Ser912Leu)

Gene: MED12 (mediator complex subunit 12; plus strand). Cytogenetic location: Xq13.1.
Variant type: single nucleotide variant.
Coding change: c.2735C>T on transcript NM_005120.3 (MANE Select); coding-DNA position 2735, C replaced by T.
Protein change: p.Ser912Leu; replaces serine 912 with leucine.
Molecular consequence: missense variant.
Genome position (GRCh38, 1-based): chrX:71,127,018, C>T. VCF-style: chrX-71127018-C-T. GRCh37 (hg19) VCF-style: chrX-70346868-C-T.
Other names: c.2735C>T (NM_005120.2); short protein forms S912L.
Identifiers: ClinVar variation 1210238 (VCV001210238.5), dbSNP rs2147797835, ClinGen allele CA413516129.